The following is an entry in ClinVar:

NM_000744.7(CHRNA4):c.621C>T (p.Gly207=)

Gene: CHRNA4 (cholinergic receptor nicotinic alpha 4 subunit; minus strand). Cytogenetic location: 20q13.33.
Variant type: single nucleotide variant.
Coding change: c.621C>T on transcript NM_000744.7 (MANE Select); coding-DNA position 621, C replaced by T.
Protein change: p.Gly207=; no amino-acid change (glycine 207 retained).
Molecular consequence: synonymous variant. On other transcripts: non-coding transcript variant (1).
Genome position (GRCh38, 1-based): chr20:63,350,790, G>A on the plus strand (C>T on the coding strand, the complement: CHRNA4 is on the minus strand). VCF-style: chr20-63350790-G-A. GRCh37 (hg19) VCF-style: chr20-61982142-G-A.
Other names: p.G207G:GGC>GGT; c.93C>T, p.Gly31= (NM_001256573.2); c.621C>T (NM_000744.6).
Identifiers: ClinVar variation 205016 (VCV000205016.20), dbSNP rs149407396, ClinGen allele CA313549.
Genomic context (GRCh38, chr20:63,350,790, plus strand): 5'-GGCACAGCACTCGTACTTCCTGGTGTTGTAGGTGCCCACGGCATCCACGATGACCCACTC[G>A]CCACTCTCCCAGAAGTCCAGCTGGTCCACGCGGCTGTGCATGTTCACCAGGTCGATCTTG-3'
Protein context (NP_000735.1, residues 197-217): RVDQLDFWES[Gly207=]EWVIVDAVGT

ClinVar aggregate classification (germline): Conflicting classifications of pathogenicity. Review status: criteria provided, conflicting classifications (1 of 4 stars). 5 submissions from 5 submitters: Uncertain significance (2); Likely benign (2). 1 of the submissions does not count toward it. Last evaluated 2025-04-01.

Conditions:
CHRNA4-related disorder. Also called: CHRNA4-related condition.
Familial sleep-related hypermotor epilepsy. Also called: Autosomal Dominant Sleep-Related Hypermotor (Hyperkinetic) Epilepsy. Identifiers: Orphanet 98784, MedGen C3696898, MONDO:0000030.

Allele frequency attached by ClinVar (database versions not stated): TOPMed below 0.00001; gnomAD 0.00001; gnomAD exomes 0.00001; ExAC 0.00002; ESP Exome Variant Server 0.00008.
gnomAD v4.1: 18 of 1,613,616 alleles (0.0011%); highest among the groups gnomAD compares: South Asian, 0.0022%; no homozygotes.

Submissions (5):

CeGaT Center for Human Genetics Tuebingen
Classification: Likely benign. Last evaluated: 2025-04-01. Review status: criteria provided, single submitter. Criteria: CeGaT Center For Human Genetics Tuebingen Variant Classification Criteria Version 2. Collection method: clinical testing. Allele origin: germline. Affected: yes. Observed: 1 variant allele.
Comment: CHRNA4: BP4, BP7

Labcorp Genetics (formerly Invitae), Labcorp
Classification: Likely benign. Last evaluated: 2025-03-29. Review status: criteria provided, single submitter. Criteria: Invitae Variant Classification Sherloc (09022015). Collection method: clinical testing. Allele origin: germline.

Blueprint Genetics
Classification: Uncertain significance. Last evaluated: 2018-02-13. Review status: criteria provided, single submitter. Criteria: ACMG Guidelines, 2015. Collection method: clinical testing. Allele origin: germline.

GeneDx
Classification: Uncertain significance. Last evaluated: 2013-06-25. Review status: criteria provided, single submitter. Criteria: GeneDx Variant Classification (06012015). Collection method: clinical testing. Allele origin: germline. Affected: yes.
Comment: c.621 C>T:p.Gly207Gly (GGC>GGT) in exon 5 of the CHRNA4 gene (NM_000744.5)The c.621 C>T nucleotide substitution has not been published as a mutation, nor has it been reported as a benign polymorphism to our knowledge. Multiple in-silico algorithms predict that the c.621 C>T substitution could potentially create a new cryptic donor site that may supplant the natural site in exon 5 and lead to abnormal splicing. However, in the absence of RNA/functional and clinical studies, the actual effect of the c.621 C>T sequence change is unknown. The variant is found in EPILEPSY panel(s).

PreventionGenetics, part of Exact Sciences
Classification: Likely benign for CHRNA4-related condition. Last evaluated: 2023-07-06. Review status: no assertion criteria provided. Collection method: clinical testing. Allele origin: germline. Not counted in ClinVar's aggregate classification.
Comment: This variant is classified as likely benign based on ACMG/AMP sequence variant interpretation guidelines (Richards et al. 2015 PMID: 25741868, with internal and published modifications).